The following is an entry in ClinVar:

NM_024009.3(GJB3):c.134G>C (p.Gly45Ala)

Gene: GJB3 (gap junction protein beta 3; plus strand). Cytogenetic location: 1p34.3.
Variant type: single nucleotide variant.
Coding change: c.134G>C on transcript NM_024009.3 (MANE Select); coding-DNA position 134, G replaced by C.
Protein change: p.Gly45Ala; replaces glycine 45 with alanine.
Molecular consequence: missense variant.
Genome position (GRCh38, 1-based): chr1:34,784,896, G>C. VCF-style: chr1-34784896-G-C. GRCh37 (hg19) VCF-style: chr1-35250497-G-C.
Other names: c.134G>C, p.Gly45Ala (NM_001005752.2); short protein forms G45A.
Identifiers: ClinVar variation 1201181 (VCV001201181.3), dbSNP rs2148354097, ClinGen allele CA339311222.
Genomic context (GRCh38, chr1:34,784,896, plus strand): 5'-TGTCCGTGGTGTTCGTCTTCCGGGTGCTGGTATACGTGGTGGCTGCAGAGCGCGTGTGGG[G>C]GGATGAGCAGAAGGACTTTGACTGCAACACCAAGCAGCCCGGCTGCACCAACGTCTGCTA-3'
Protein context (NP_076872.1, residues 35-55): VYVVAAERVW[Gly45Ala]DEQKDFDCNT

ClinVar aggregate classification (germline): Likely pathogenic (1 of 4 stars; one submission).

Submission:

GeneDx
Classification: Likely pathogenic. Last evaluated: 2021-03-08. Review status: criteria provided, single submitter. Criteria: GeneDx Variant Classification Process June 2021. Collection method: clinical testing. Allele origin: germline. Affected: yes.
Comment: Not observed in large population cohorts (Lek et al., 2016); In silico analysis supports that this missense variant has a deleterious effect on protein structure/function; This variant is associated with the following publications: (PMID: 29570224)